The following is an entry in ClinVar:

ClinVar aggregate classification (germline): Uncertain significance (1 of 4 stars; one submission).

Submission:

Labcorp Genetics (formerly Invitae), Labcorp
Classification: Uncertain significance. Last evaluated: 2022-03-14. Review status: criteria provided, single submitter. Criteria: Invitae Variant Classification Sherloc (09022015). Collection method: clinical testing. Allele origin: germline.
Comment: In summary, the available evidence is currently insufficient to determine the role of this variant in disease. Therefore, it has been classified as a Variant of Uncertain Significance. Algorithms developed to predict the effect of missense changes on protein structure and function are either unavailable or do not agree on the potential impact of this missense change (SIFT: "Tolerated"; PolyPhen-2: "Not Available"; Align-GVGD: "Class C0"). This variant has not been reported in the literature in individuals affected with ELOVL4-related conditions. This variant is not present in population databases (gnomAD no frequency). This sequence change replaces asparagine, which is neutral and polar, with histidine, which is basic and polar, at codon 308 of the ELOVL4 protein (p.Asn308His).

NM_022726.4(ELOVL4):c.922A>C (p.Asn308His)

Gene: ELOVL4 (ELOVL fatty acid elongase 4; minus strand). Cytogenetic location: 6q14.1.
Variant type: single nucleotide variant.
Coding change: c.922A>C on transcript NM_022726.4 (MANE Select); coding-DNA position 922, A replaced by C.
Protein change: p.Asn308His; replaces asparagine 308 with histidine.
Molecular consequence: missense variant.
Genome position (GRCh38, 1-based): chr6:79,916,631, T>G on the plus strand (A>C on the coding strand, the complement: ELOVL4 is on the minus strand). VCF-style: chr6-79916631-T-G. GRCh37 (hg19) VCF-style: chr6-80626348-T-G.
Other names: short protein forms N308H.
Identifiers: ClinVar variation 2111787 (VCV002111787.4), dbSNP rs2532967408, ClinGen allele CA364655544.